The following is an entry in ClinVar:

NM_032043.3(BRIP1):c.1474_1475del

Gene: BRIP1 (BRCA1 interacting DNA helicase 1; minus strand). Cytogenetic location: 17q23.2.
Variant type: Deletion.
Coding change: c.1474_1475del on transcript NM_032043.3 (MANE Select); coding-DNA positions 1474 to 1475, 2 bases deleted (GG; older notation c.1474_1475delGG).
Molecular consequence: splice acceptor variant.
Genome position (GRCh38, 1-based): chr17:61,784,423-61,784,424, CC deleted on the plus strand (GG on the coding strand, the reverse complement: BRIP1 is on the minus strand); deleting any 2 consecutive bases within chr17:61,784,423-61,784,425 gives the same sequence; the c. name uses the placement nearest the transcript's 3' end. VCF-style (leftmost placement, unchanged base first): chr17-61784422-TCC-T. GRCh37 (hg19) VCF-style: chr17-59861783-TCC-T.
Identifiers: ClinVar variation 4082388 (VCV004082388.1).

ClinVar aggregate classification (germline): Likely pathogenic (1 of 4 stars; one submission).

Conditions:
Hereditary breast ovarian cancer syndrome. Also called: BRCA1- and BRCA2-Associated Hereditary Breast and Ovarian Cancer; Hereditary breast and ovarian cancer; Hereditary breast and ovarian cancer syndrome (HBOC); Hereditary breast and/or ovarian cancer syndrome; Hereditary breast and ovarian cancer syndrome; Breast and ovarian cancer. Identifiers: Orphanet 145, MedGen C0677776, MeSH D061325, MONDO:0003582. Disease mechanism: loss of function.

Submission:

Genetics and Personalized Medicine Clinic, Tartu University Hospital
Classification: Likely pathogenic for Hereditary breast ovarian cancer syndrome. Last evaluated: 2020-01-01. Review status: criteria provided, single submitter. Criteria: ACMG Guidelines, 2015. Collection method: clinical testing. Allele origin: germline. Affected: yes. Observed: 1 variant allele.
Comment: This deletion causes a frameshift p.(Gly492Thrfs*18), predicted to result in premature truncation and nonsense-mediated decay. BRIP1 loss-of-function is a known mechanism for hereditary ovarian cancer and may contribute to breast cancer risk (PVS1).